The following is an entry in ClinVar:

ClinVar aggregate classification (germline): Uncertain significance (0 of 4 stars; one submission).

Conditions:
BBS1-related disorder. Also called: BBS1-related condition.

Submission:

PreventionGenetics, part of Exact Sciences
Classification: Uncertain significance for BBS1-related condition. Last evaluated: 2024-06-28. Review status: no assertion criteria provided. Collection method: clinical testing. Allele origin: germline.
Comment: The BBS1 c.374G>C variant is predicted to result in the amino acid substitution p.Ser125Thr. To our knowledge, this variant has not been reported in the literature or in a large population database, indicating this variant is rare. At this time, the clinical significance of this variant is uncertain due to the absence of conclusive functional and genetic evidence.

NM_024649.5(BBS1):c.374G>C (p.Ser125Thr)

Gene: BBS1 (Bardet-Biedl syndrome 1; plus strand). Cytogenetic location: 11q13.2.
Variant type: single nucleotide variant.
Coding change: c.374G>C on transcript NM_024649.5 (MANE Select); coding-DNA position 374, G replaced by C.
Protein change: p.Ser125Thr; replaces serine 125 with threonine.
Molecular consequence: missense variant.
Genome position (GRCh38, 1-based): chr11:66,514,620, G>C. VCF-style: chr11-66514620-G-C. GRCh37 (hg19) VCF-style: chr11-66282091-G-C.
Other names: short protein forms S125T.
Identifiers: ClinVar variation 3353424 (VCV003353424.1).
Genomic context (GRCh38, chr11:66,514,620, plus strand): 5'-CACTTGCTTCAGGCCCTTGTGTCTATGTGTATAAGAATCTCAGACCCTACTTCAAGTTCA[G>C]CCTGCCCCAATTGCCTCCAAATCCTCTGGAACAAGACCTTTGGAACCAGGCCAAAGAGGT-3'
Protein context (NP_078925.3, residues 115-135): YKNLRPYFKF[Ser125Thr]LPQLPPNPLE